The following is an entry in ClinVar:

ClinVar aggregate classification (germline): Uncertain significance (1 of 4 stars; one submission).

Allele frequency attached by ClinVar (database versions not stated): gnomAD exomes below 0.00001; gnomAD 0.00001.
gnomAD v4.1: 2 of 1,613,580 alleles (0.00012%); highest among the groups gnomAD compares: African/African-American, 0.0027%; no homozygotes.

Submission:

Labcorp Genetics (formerly Invitae), Labcorp
Classification: Uncertain significance. Last evaluated: 2021-11-14. Review status: criteria provided, single submitter. Criteria: Invitae Variant Classification Sherloc (09022015). Collection method: clinical testing. Allele origin: germline.
Comment: This sequence change replaces threonine, which is neutral and polar, with isoleucine, which is neutral and non-polar, at codon 563 of the SLC12A6 protein (p.Thr563Ile). This variant is not present in population databases (gnomAD no frequency). This variant has not been reported in the literature in individuals affected with SLC12A6-related conditions. Advanced modeling of protein sequence and biophysical properties (such as structural, functional, and spatial information, amino acid conservation, physicochemical variation, residue mobility, and thermodynamic stability) performed at Invitae indicates that this missense variant is not expected to disrupt SLC12A6 protein function. In summary, the available evidence is currently insufficient to determine the role of this variant in disease. Therefore, it has been classified as a Variant of Uncertain Significance.

NM_001365088.1(SLC12A6):c.1688C>T (p.Thr563Ile)

Gene: SLC12A6 (solute carrier family 12 member 6; minus strand). Cytogenetic location: 15q14.
Variant type: single nucleotide variant.
Coding change: c.1688C>T on transcript NM_001365088.1 (MANE Select); coding-DNA position 1688, C replaced by T.
Protein change: p.Thr563Ile; replaces threonine 563 with isoleucine.
Molecular consequence: missense variant.
Genome position (GRCh38, 1-based): chr15:34,245,829, G>A on the plus strand (C>T on the coding strand, the complement: SLC12A6 is on the minus strand). VCF-style: chr15-34245829-G-A. GRCh37 (hg19) VCF-style: chr15-34538030-G-A.
Other names: c.1511C>T, p.Thr504Ile (NM_001042494.2, NM_001042495.2); c.1661C>T, p.Thr554Ile (NM_001042496.2); c.1643C>T, p.Thr548Ile (NM_001042497.2); c.1535C>T, p.Thr512Ile (NM_005135.2); c.1688C>T, p.Thr563Ile (NM_133647.2); short protein forms T512I, T504I, T548I, T554I, T563I.
Identifiers: ClinVar variation 1486287 (VCV001486287.3), dbSNP rs970501910, ClinGen allele CA268666498.
Genomic context (GRCh38, chr15:34,245,829, plus strand): 5'-GCCCCACATGTTGAAAAGAAGGAGCCAATAACAATCACCCATGGGGATGGCCAAGATAAG[G>A]TGCCTACCACCAAATTACCTTTCACAGCATCACCGAACCTGGGAAAGAAATAGGAGTGGG-3'
Protein context (NP_001352017.1, residues 553-573): DAVKGNLVVG[Thr563Ile]LSWPSPWVIV